The following is an entry in ClinVar:

ClinVar aggregate classification (germline): Uncertain significance (1 of 4 stars; one submission).

gnomAD v4.1: 1 of 1,609,688 alleles (0.000062%); highest among the groups gnomAD compares: African/African-American, 0.0013%; no homozygotes.

Submission:

GeneDx
Classification: Uncertain significance. Last evaluated: 2025-03-24. Review status: criteria provided, single submitter. Criteria: GeneDx Variant Classification Process June 2021. Collection method: clinical testing. Allele origin: germline.
Comment: Not observed at significant frequency in large population cohorts (gnomAD); In silico analysis supports that this missense variant has a deleterious effect on protein structure/function; Has not been previously published as pathogenic or benign to our knowledge

NM_001394062.1(MACF1):c.4024G>T (p.Val1342Leu)

Gene: MACF1 (microtubule actin crosslinking factor 1; plus strand). Cytogenetic location: 1p34.3.
Variant type: single nucleotide variant.
Coding change: c.4024G>T on transcript NM_001394062.1 (MANE Select); coding-DNA position 4024, G replaced by T.
Protein change: p.Val1342Leu; replaces valine 1342 with leucine.
Molecular consequence: missense variant.
Genome position (GRCh38, 1-based): chr1:39,319,742, G>T. VCF-style: chr1-39319742-G-T. GRCh37 (hg19) VCF-style: chr1-39785414-G-T.
Other names: c.4039G>T, p.Val1347Leu (NM_012090.5); short protein forms V1342L, V1347L.
Identifiers: ClinVar variation 3342707 (VCV003342707.2).
Genomic context (GRCh38, chr1:39,319,742, plus strand): 5'-GAGAGAAATCAGACAAAACTGGATCAATGTCAAAAATTTTCCCAGCAGTACTCTACTATT[G>T]TAAAGGTAACTTTACCACATCCCAAAAAGAACATGAATCATCACCAGCTCAGGAAAACCT-3'
Protein context (NP_001380991.1, residues 1332-1352): QKFSQQYSTI[Val1342Leu]KDYELQLMTY